The following is an entry in ClinVar:

ClinVar aggregate classification (germline): Pathogenic (1 of 4 stars; one submission).

Submission:

Quest Diagnostics Nichols Institute San Juan Capistrano
Classification: Pathogenic. Last evaluated: 2021-12-30. Review status: criteria provided, single submitter. Criteria: ACMG/ClinGen CNV Guidelines, 2019. Collection method: clinical testing. Allele origin: unknown.
Comment: The terminal deletion of the short arm of chromosome 4 is consistent with Wolf-Hirschhorn syndrome (WHS) (OMIM 194190). This syndrome is characterized by typical craniofacial features in infancy, microcephaly, high anterior hairline with prominent glabella, widely spaced eyes, epicanthus, highly arched eyebrows, short philtrum, downturned corners of the mouth, micrognathia, and poorly formed ears with pits/tags. All affected individuals have prenatal-onset growth deficiency followed by postnatal growth retardation and hypotonia with muscle underdevelopment. Developmental delay/intellectual disability of variable degree is also present in all. Seizures occur in 90% to 100% of children with WHS. Other findings include skeletal anomalies (60%-70%), congenital heart defects (~50%), hearing loss (mostly conductive) (>40%), urinary tract malformations (25%), and structural brain abnormalities (33%). Although WHSC1/NSD2 and LETM1 are typically deleted in WHS, deletion of additional genes is likely required for the full expression of the phenotype (GeneReviews. Available from an online resource; Paradowska-Stolarz Adv Clin Exp Med. 2014 May-Jun;23(3):485-9. PMID: 24979523).

GRCh37/hg19 4p16.3(chr4:68346-2437290)x1

Genes: ATP5ME (ATP synthase membrane subunit e; minus strand), CPLX1 (complexin 1; minus strand), CRIPAK (cysteine rich PAK1 inhibitor; plus strand), CTBP1 (C-terminal binding protein 1; minus strand), DGKQ (diacylglycerol kinase theta; minus strand) and 34 more. Cytogenetic location: 4p16.3.
Variant type: copy number loss.
Change: copy number 1 (one copy instead of two) of chr4:68,346-2,437,290 (2.37 Mb, GRCh37 coordinates, 1-based), cytogenetic band 4p16.3.
Identifiers: ClinVar variation 1807847 (VCV001807847.1).